The following is an entry in ClinVar:

ClinVar aggregate classification (germline): Uncertain significance (1 of 4 stars; one submission).

Conditions:
Cardiovascular phenotype. Identifiers: MedGen CN230736.

Submission:

Ambry Genetics
Classification: Uncertain significance for Cardiovascular phenotype. Last evaluated: 2022-01-17. Review status: criteria provided, single submitter. Criteria: Ambry Variant Classification Scheme 2023. Collection method: clinical testing. Allele origin: germline.
Comment: The p.E338D variant (also known as c.1014G>C), located in coding exon 8 of the NEXN gene, results from a G to C substitution at nucleotide position 1014. The glutamic acid at codon 338 is replaced by aspartic acid, an amino acid with highly similar properties. This amino acid position is conserved. In addition, this alteration is predicted to be tolerated by in silico analysis. Since supporting evidence is limited at this time, the clinical significance of this alteration remains unclear.

NM_144573.4(NEXN):c.1014G>C (p.Glu338Asp)

Gene: NEXN (nexilin F-actin binding protein; plus strand). Cytogenetic location: 1p31.1.
Variant type: single nucleotide variant.
Coding change: c.1014G>C on transcript NM_144573.4 (MANE Select); coding-DNA position 1014, G replaced by C.
Protein change: p.Glu338Asp; replaces glutamic acid 338 with aspartic acid.
Molecular consequence: missense variant.
Genome position (GRCh38, 1-based): chr1:77,929,465, G>C. VCF-style: chr1-77929465-G-C. GRCh37 (hg19) VCF-style: chr1-78395150-G-C.
Other names: c.822G>C, p.Glu274Asp (NM_001172309.2); short protein forms E274D, E338D.
Identifiers: ClinVar variation 1740124 (VCV001740124.2), dbSNP rs2523224976, ClinGen allele CA340875734.